The following is an entry in ClinVar:

NM_001370658.1(BTD):c.249+1G>A

Gene: BTD (biotinidase; plus strand). Cytogenetic location: 3p25.1.
Variant type: single nucleotide variant.
Coding change: c.249+1G>A on transcript NM_001370658.1 (MANE Select); the canonical splice donor site of the intron after coding-DNA position 249, G replaced by A.
Molecular consequence: splice donor variant.
Genome position (GRCh38, 1-based): chr3:15,635,689, G>A. VCF-style: chr3-15635689-G-A. GRCh37 (hg19) VCF-style: chr3-15677196-G-A.
Other names: c.249+1G>A (NM_001407365.1, NM_001370752.1, NM_001370753.1 and 37 more transcripts).
Identifiers: ClinVar variation 930305 (VCV000930305.4), dbSNP rs373249212, ClinGen allele CA2277278.

ClinVar aggregate classification (germline): Pathogenic (1 of 4 stars; one submission).

Conditions:
Biotinidase deficiency. Also called: BTD deficiency; Late-onset biotin-responsive multiple carboxylase deficiency; Biotin deficiency. Identifiers: Orphanet 79241, MedGen C0220754, MONDO:0009665, OMIM 253260.

gnomAD v4.1: 3 of 1,614,100 alleles (0.00019%); highest among the groups gnomAD compares: East Asian, 0.0022%; no homozygotes.

Submission:

Centre for Mendelian Genomics, University Medical Centre Ljubljana
Classification: Pathogenic for Biotinidase deficiency. Last evaluated: 2019-07-03. Review status: criteria provided, single submitter. Criteria: ACMG Guidelines, 2015. Collection method: clinical testing. Allele origin: unknown. Affected: yes.
Comment: This variant was classified as: Pathogenic. The following ACMG criteria were applied in classifying this variant: PVS1,PM2,PP5.